The following is an entry in ClinVar:

ClinVar aggregate classification (germline): Pathogenic (1 of 4 stars; one submission).

Conditions:
Aortic aneurysm, familial thoracic 4 (AAT4). Also called: AORTIC ANEURYSM/AORTIC DISSECTION AND PATENT DUCTUS ARTERIOSUS. Identifiers: MedGen C1851504, MONDO:0007568, OMIM 132900.

Submission:

Labcorp Genetics (formerly Invitae), Labcorp
Classification: Pathogenic for Aortic aneurysm, familial thoracic 4. Last evaluated: 2024-09-15. Review status: criteria provided, single submitter. Criteria: Invitae Variant Classification Sherloc (09022015). Collection method: clinical testing. Allele origin: germline.
Comment: This sequence change creates a premature translational stop signal (p.Ile516Metfs*84) in the MYH11 gene. It is expected to result in an absent or disrupted protein product. Loss-of-function variants in MYH11 are known to be pathogenic (PMID: 25407000, 29575632). This variant is not present in population databases (gnomAD no frequency). This variant has not been reported in the literature in individuals affected with MYH11-related conditions. For these reasons, this variant has been classified as Pathogenic.

Literature cited by the submitters: PubMed 25407000; PubMed 29575632.

NM_002474.3(MYH11):c.1527del (p.Ile509fs)

Gene: MYH11 (myosin heavy chain 11; minus strand). Cytogenetic location: 16p13.11.
Variant type: Deletion.
Coding change: c.1527del on transcript NM_002474.3 (MANE Select); coding-DNA position 1527, one base deleted (C; older notation c.1527delC).
Protein change: p.Ile509fs; shifts the reading frame from isoleucine 509.
Molecular consequence: frameshift variant.
Genome position (GRCh38, 1-based): chr16:15,757,875, G deleted on the plus strand (C on the coding strand, the reverse complement: MYH11 is on the minus strand). VCF-style (leftmost placement, unchanged base first): chr16-15757874-CG-C. GRCh37 (hg19) VCF-style: chr16-15851731-CG-C.
Other names: c.1548del, p.Ile516fs (NM_001040113.2, NM_001040114.2); c.1527del, p.Ile509fs (NM_022844.3); short protein forms I509fs, I516fs.
Identifiers: ClinVar variation 3681662 (VCV003681662.2).